The following is an entry in ClinVar:

ClinVar aggregate classification (germline): Benign. Review status: criteria provided, single submitter (1 of 4 stars). 4 submissions from 1 submitter: Benign (4). Last evaluated 2018-01-13.

Conditions:
Osteoglophonic dysplasia (OGD). Also called: Osteoglophonic dwarfism. Identifiers: Orphanet 2645, MedGen C0432283, MONDO:0008150, OMIM 166250.
Trigonocephaly 1 (TRIGNO1). Identifiers: Orphanet 3366, MedGen C0432122, MONDO:0008603, OMIM 190440.
Hypogonadotropic hypogonadism 2 with or without anosmia (HH2). Also called: HYPOGONADOTROPIC HYPOGONADISM 2 WITH OR WITHOUT ANOSMIA, SUSCEPTIBILITY TO; HYPOGONADOTROPIC HYPOGONADISM 2 WITHOUT ANOSMIA, SUSCEPTIBILITY TO; FGFR1-Related GnRH Deficiency (Kallmann Syndrome 2); HYPOGONADOTROPIC HYPOGONADISM 2 WITHOUT ANOSMIA. Identifiers: Orphanet 478, MedGen C1563720, MONDO:0007844, OMIM 147950. Disease mechanism: loss of function.
Craniosynostosis syndrome. Also called: Craniosynostosis. Identifiers: Orphanet 1531, MedGen C0010278, MeSH D003398, MONDO:0015469, HP:0001363.

Allele frequency attached by ClinVar (database versions not stated): gnomAD 0.00007 and 0.00046; gnomAD exomes 0.00009; TOPMed 0.00010; 1000 Genomes Project 0.00359; 1000 Genomes Project 30x 0.00359.
gnomAD v4.1: 75 of 202,616 alleles (0.037%); highest among the groups gnomAD compares: South Asian, 1.2%; 2 homozygotes.

Submissions (4):

Illumina Laboratory Services, Illumina
Classification: Benign for Craniosynostosis. Last evaluated: 2018-01-13. Review status: criteria provided, single submitter. Criteria: ICSL Variant Classification Criteria 13 December 2019. Collection method: clinical testing. Allele origin: germline.
Comment: This variant was observed in the ICSL laboratory as part of a predisposition screen in an ostensibly healthy population. It had not been previously curated by ICSL or reported in the Human Gene Mutation Database (HGMD: prior to June 1st, 2018), and was therefore a candidate for classification through an automated scoring system. Utilizing variant allele frequency, disease prevalence and penetrance estimates, and inheritance mode, an automated score was calculated to assess if this variant is too frequent to cause the disease. Based on the score and internal cut-off values, a variant classified as benign is not then subjected to further curation. The score for this variant resulted in a classification of benign for this disease.

Illumina Laboratory Services, Illumina
Classification: Benign for Trigonocephaly 1. Last evaluated: 2018-01-13. Review status: criteria provided, single submitter. Criteria: ICSL Variant Classification Criteria 13 December 2019. Collection method: clinical testing. Allele origin: germline.
Comment: the same text as in the submission from Illumina Laboratory Services, Illumina above.

Illumina Laboratory Services, Illumina
Classification: Benign for Osteoglophonic dysplasia. Last evaluated: 2018-01-13. Review status: criteria provided, single submitter. Criteria: ICSL Variant Classification Criteria 13 December 2019. Collection method: clinical testing. Allele origin: germline.
Comment: the same text as in the submission from Illumina Laboratory Services, Illumina above.

Illumina Laboratory Services, Illumina
Classification: Benign for Hypogonadotropic hypogonadism 2 with or without anosmia. Last evaluated: 2018-01-13. Review status: criteria provided, single submitter. Criteria: ICSL Variant Classification Criteria 13 December 2019. Collection method: clinical testing. Allele origin: germline.
Comment: the same text as in the submission from Illumina Laboratory Services, Illumina above.

NM_023110.3(FGFR1):c.*2434C>T

Genes: FGFR1 (fibroblast growth factor receptor 1; minus strand), LOC102723716 (uncharacterized LOC102723716; minus strand). Cytogenetic location: 8p11.23.
Variant type: single nucleotide variant.
Coding change: c.*2434C>T on transcript NM_023110.3 (MANE Select); 2434 bases downstream of the stop codon, C replaced by T.
Molecular consequence: 3 prime UTR variant.
Genome position (GRCh38, 1-based): chr8:38,411,194, G>A on the plus strand (C>T on the coding strand, the complement: FGFR1 is on the minus strand). VCF-style: chr8-38411194-G-A. GRCh37 (hg19) VCF-style: chr8-38268712-G-A.
Other names: c.*2434C>T (NM_023106.3, NM_001174063.2, NM_001174064.2 and 6 more transcripts); c.*1195C>T (NM_001354367.2, NM_001354369.2, NM_001354370.2).
Identifiers: ClinVar variation 362854 (VCV000362854.5), dbSNP rs565758830, ClinGen allele CA10630945.